The following is an entry in ClinVar:

ClinVar aggregate classification (germline): Uncertain significance (1 of 4 stars; one submission).

Allele frequency attached by ClinVar (database versions not stated): gnomAD exomes 0.00002; ExAC 0.00003; TOPMed 0.00003; gnomAD 0.00005.
gnomAD v4.1: 35 of 1,472,834 alleles (0.0024%); highest among the groups gnomAD compares: Middle Eastern, 0.018%; no homozygotes.

Submission:

Labcorp Genetics (formerly Invitae), Labcorp
Classification: Uncertain significance. Last evaluated: 2025-10-23. Review status: criteria provided, single submitter. Criteria: Invitae Variant Classification Sherloc (09022015). Collection method: clinical testing. Allele origin: germline.
Comment: This sequence change replaces glutamic acid, which is acidic and polar, with glycine, which is neutral and non-polar, at codon 96 of the CYP51A1 protein (p.Glu96Gly). This variant is present in population databases (rs756695149, gnomAD 0.01%). This variant has not been reported in the literature in individuals affected with CYP51A1-related conditions. ClinVar contains an entry for this variant (Variation ID: 1918262). An algorithm developed to predict the effect of missense changes on protein structure and function (PolyPhen-2) suggests that this variant is likely to be tolerated. In summary, the available evidence is currently insufficient to determine the role of this variant in disease. Therefore, it has been classified as a Variant of Uncertain Significance.

NM_000786.4(CYP51A1):c.287A>G (p.Glu96Gly)

Gene: CYP51A1 (cytochrome P450 family 51 subfamily A member 1; minus strand). Cytogenetic location: 7q21.2.
Variant type: single nucleotide variant.
Coding change: c.287A>G on transcript NM_000786.4 (MANE Select); coding-DNA position 287, A replaced by G.
Protein change: p.Glu96Gly; replaces glutamic acid 96 with glycine.
Molecular consequence: missense variant. On other transcripts: 5 prime UTR variant (1).
Genome position (GRCh38, 1-based): chr7:92,131,778, T>C on the plus strand (A>G on the coding strand, the complement: CYP51A1 is on the minus strand). VCF-style: chr7-92131778-T-C. GRCh37 (hg19) VCF-style: chr7-91761092-T-C.
Other names: c.-29A>G (NM_001146152.2); short protein forms E96G.
Identifiers: ClinVar variation 1918262 (VCV001918262.5), dbSNP rs756695149, ClinGen allele CA4338626.